The following is an entry in ClinVar:

NM_001349798.2(FBXW7):c.460G>A (p.Val154Ile)

Gene: FBXW7 (F-box and WD repeat domain containing 7; minus strand). Cytogenetic location: 4q31.3.
Variant type: single nucleotide variant.
Coding change: c.460G>A on transcript NM_001349798.2 (MANE Select); coding-DNA position 460, G replaced by A.
Protein change: p.Val154Ile; replaces valine 154 with isoleucine.
Molecular consequence: missense variant.
Genome position (GRCh38, 1-based): chr4:152,411,344, C>T on the plus strand (G>A on the coding strand, the complement: FBXW7 is on the minus strand). VCF-style: chr4-152411344-C-T. GRCh37 (hg19) VCF-style: chr4-153332496-C-T.
Other names: c.460G>A, p.Val154Ile (NM_001257069.1, NM_033632.3); short protein forms V154I.
Identifiers: ClinVar variation 3602663 (VCV003602663.3).
Genomic context (GRCh38, chr4:152,411,344, plus strand): 5'-ATATATTGAATATACTCACTTTTGTTGTTTTTGTATAGAATGGGGAGGAGAGTTGGTGAA[C>T]GGGCAGGTCCACAATACTACTGGAGTTCGTGACACTGTTAGTATGTGTATGTTCATCTTC-3'
Protein context (NP_001336727.1, residues 144-164): TNSSSIVDLP[Val154Ile]HQLSSPFYTK

ClinVar aggregate classification (germline): Uncertain significance. Review status: criteria provided, multiple submitters, no conflicts (2 of 4 stars). 2 submissions from 2 submitters: Uncertain significance (2). Last evaluated 2025-01-12.

Conditions:
Developmental delay, hypotonia, and impaired language (DEDHIL). Identifiers: MedGen C5774202, MONDO:0859280, OMIM 620012.

gnomAD v4.1: 145 of 1,611,864 alleles (0.009%); highest among the groups gnomAD compares: Non-Finnish European, 0.011%; no homozygotes.

Submissions (2):

Labcorp Genetics (formerly Invitae), Labcorp
Classification: Uncertain significance. Last evaluated: 2025-01-12. Review status: criteria provided, single submitter. Criteria: Invitae Variant Classification Sherloc (09022015). Collection method: clinical testing. Allele origin: germline.
Comment: This sequence change replaces valine, which is neutral and non-polar, with isoleucine, which is neutral and non-polar, at codon 154 of the FBXW7 protein (p.Val154Ile). This variant is present in population databases (rs138477494, gnomAD 0.02%). This variant has not been reported in the literature in individuals affected with FBXW7-related conditions. An algorithm developed to predict the effect of missense changes on protein structure and function outputs the following: PolyPhen-2: "Benign". The isoleucine amino acid residue is found in multiple mammalian species, which suggests that this missense change does not adversely affect protein function. Experimental studies have shown that this missense change does not substantially affect FBXW7 function (PMID: 30510140). In summary, the available evidence is currently insufficient to determine the role of this variant in disease. Therefore, it has been classified as a Variant of Uncertain Significance.

St. Jude Molecular Pathology, St. Jude Children's Research Hospital
Classification: Uncertain significance for Developmental delay, hypotonia, and impaired language. Last evaluated: 2024-10-24. Review status: criteria provided, single submitter. Criteria: St. Jude Assertion Criteria 2020. Collection method: clinical testing. Allele origin: germline.
Comment: The FBXW7 c.460G>A (p.Val154Ile) missense change has a maximum subpopulation frequency of 0.02% in gnomAD v2.1.1. The in silico tool REVEL predicts a benign effect on protein function, but to our knowledge this prediction has not been confirmed by functional studies. To our knowledge, this variant has not been reported in the literature in individuals with FBXW7-associated conditions. In summary, the evidence currently available is insufficient to determine the clinical significance of this variant. It has therefore been classified as of uncertain significance.

Literature cited by the submitters: PubMed 30510140 (cited by Labcorp Genetics (formerly Invitae), Labcorp).